The following is an entry in ClinVar:

ClinVar aggregate classification (germline): Uncertain significance. Review status: criteria provided, multiple submitters, no conflicts (2 of 4 stars). 4 submissions from 4 submitters: Uncertain significance (3). 1 of the submissions does not count toward it. Last evaluated 2025-08-25.

Conditions:
SLC10A1-related disorder. Also called: SLC10A1-related condition.

Allele frequency attached by ClinVar (database versions not stated): TOPMed 0.00013; 1000 Genomes Project 0.00020; gnomAD exomes 0.00024; 1000 Genomes Project 30x 0.00031; gnomAD 0.00014 and 0.00012; ExAC 0.00017.
gnomAD v4.1: 185 of 1,613,906 alleles (0.011%); highest among the groups gnomAD compares: Middle Eastern, 0.083%; 2 homozygotes.

Submissions (4):

Mayo Clinic Laboratories, Mayo Clinic
Classification: Uncertain significance. Last evaluated: 2025-08-25. Review status: criteria provided, single submitter. Criteria: ACMG Guidelines, 2015. Collection method: clinical testing. Allele origin: germline. Observed: 1 variant allele.

Ambry Genetics
Classification: Uncertain significance. Last evaluated: 2021-07-06. Review status: criteria provided, single submitter. Criteria: Ambry Variant Classification Scheme 2023. Collection method: clinical testing. Allele origin: germline.

Eurofins Ntd Llc (ga)
Classification: Uncertain significance. Last evaluated: 2018-01-29. Review status: criteria provided, single submitter. Criteria: EGL Classification Definitions 2015. Collection method: clinical testing. Allele origin: germline. Observed: 3 variant alleles, 3 heterozygotes.

PreventionGenetics, part of Exact Sciences
Classification: Likely benign for SLC10A1-related condition. Last evaluated: 2024-03-06. Review status: no assertion criteria provided. Collection method: clinical testing. Allele origin: germline. Not counted in ClinVar's aggregate classification.
Comment: This variant is classified as likely benign based on ACMG/AMP sequence variant interpretation guidelines (Richards et al. 2015 PMID: 25741868, with internal and published modifications).

NM_003049.4(SLC10A1):c.877C>G (p.Gln293Glu)

Gene: SLC10A1 (solute carrier family 10 member 1; minus strand). Cytogenetic location: 14q24.1.
Variant type: single nucleotide variant.
Coding change: c.877C>G on transcript NM_003049.4 (MANE Select); coding-DNA position 877, C replaced by G.
Protein change: p.Gln293Glu; replaces glutamine 293 with glutamic acid.
Molecular consequence: missense variant.
Genome position (GRCh38, 1-based): chr14:69,778,399, G>C on the plus strand (C>G on the coding strand, the complement: SLC10A1 is on the minus strand). VCF-style: chr14-69778399-G-C. GRCh37 (hg19) VCF-style: chr14-70245116-G-C.
Other names: p.Gln293Glu; c.877C>G (NM_003049.3); short protein forms Q293E.
Identifiers: ClinVar variation 595899 (VCV000595899.9), dbSNP rs189313778, ClinGen allele CA7245941.